The following is an entry in ClinVar:

ClinVar aggregate classification (germline): Likely benign. Review status: criteria provided, multiple submitters, no conflicts (2 of 4 stars). 3 submissions from 3 submitters: Likely benign (2). 1 of the submissions does not count toward it. Last evaluated 2026-01-18.

Conditions:
PCNT-related disorder. Also called: PCNT-related condition.

Allele frequency attached by ClinVar (database versions not stated): ExAC 0.00014; 1000 Genomes Project 30x 0.00016; TOPMed 0.00025; gnomAD exomes 0.00029; gnomAD 0.00033 and 0.00034.
gnomAD v4.1: 153 of 1,584,908 alleles (0.0097%); highest among the groups gnomAD compares: Admixed American, 0.2%; 1 homozygote.

Submissions (3):

Labcorp Genetics (formerly Invitae), Labcorp
Classification: Likely benign. Last evaluated: 2026-01-18. Review status: criteria provided, single submitter. Criteria: Invitae Variant Classification Sherloc (09022015). Collection method: clinical testing. Allele origin: germline.

GeneDx
Classification: Likely benign. Last evaluated: 2017-10-23. Review status: criteria provided, single submitter. Criteria: GeneDx Variant Classification (06012015). Collection method: clinical testing. Allele origin: germline. Affected: yes.
Comment: This variant is considered likely benign or benign based on one or more of the following criteria: it is a conservative change, it occurs at a poorly conserved position in the protein, it is predicted to be benign by multiple in silico algorithms, and/or has population frequency not consistent with disease.

PreventionGenetics, part of Exact Sciences
Classification: Likely benign for PCNT-related condition. Last evaluated: 2021-08-25. Review status: no assertion criteria provided. Collection method: clinical testing. Allele origin: germline. Not counted in ClinVar's aggregate classification.
Comment: This variant is classified as likely benign based on ACMG/AMP sequence variant interpretation guidelines (Richards et al. 2015 PMID: 25741868, with internal and published modifications).

NM_006031.6(PCNT):c.5736C>T (p.Ala1912=)

Gene: PCNT (pericentrin; plus strand). Cytogenetic location: 21q22.3.
Variant type: single nucleotide variant.
Coding change: c.5736C>T on transcript NM_006031.6 (MANE Select); coding-DNA position 5736, C replaced by T.
Protein change: p.Ala1912=; no amino-acid change (alanine 1912 retained).
Molecular consequence: synonymous variant.
Genome position (GRCh38, 1-based): chr21:46,411,809, C>T. VCF-style: chr21-46411809-C-T. GRCh37 (hg19) VCF-style: chr21-47831723-C-T.
Other names: c.5382C>T, p.Ala1794= (NM_001315529.2).
Identifiers: ClinVar variation 385870 (VCV000385870.11), dbSNP rs766460016, ClinGen allele CA10080076.